The following is an entry in ClinVar:

NM_001036.6(RYR3):c.10529A>G (p.His3510Arg)

Gene: RYR3 (ryanodine receptor 3; plus strand). Cytogenetic location: 15q14.
Variant type: single nucleotide variant.
Coding change: c.10529A>G on transcript NM_001036.6 (MANE Select); coding-DNA position 10529, A replaced by G.
Protein change: p.His3510Arg; replaces histidine 3510 with arginine.
Molecular consequence: missense variant.
Genome position (GRCh38, 1-based): chr15:33,816,888, A>G. VCF-style: chr15-33816888-A-G. GRCh37 (hg19) VCF-style: chr15-34109089-A-G.
Other names: c.10514A>G, p.His3505Arg (NM_001243996.4); short protein forms H3505R, H3510R.
Identifiers: ClinVar variation 645246 (VCV000645246.8), dbSNP rs752657728, ClinGen allele CA7460871.

ClinVar aggregate classification (germline): Uncertain significance (1 of 4 stars; one submission).

Conditions:
Epileptic encephalopathy. Identifiers: MedGen C0543888, HP:0200134.

Allele frequency attached by ClinVar (database versions not stated): gnomAD exomes below 0.00001; gnomAD 0.00001.
gnomAD v4.1: 6 of 1,612,312 alleles (0.00037%); highest among the groups gnomAD compares: Non-Finnish European, 0.00051%; no homozygotes.

Submission:

Labcorp Genetics (formerly Invitae), Labcorp
Classification: Uncertain significance for Epileptic encephalopathy. Last evaluated: 2018-10-24. Review status: criteria provided, single submitter. Criteria: Invitae Variant Classification Sherloc (09022015). Collection method: clinical testing. Allele origin: germline.
Comment: In summary, the available evidence is currently insufficient to determine the role of this variant in disease. Therefore, it has been classified as a Variant of Uncertain Significance. Algorithms developed to predict the effect of missense changes on protein structure and function (SIFT, PolyPhen-2, Align-GVGD) all suggest that this variant is likely to be tolerated, but these predictions have not been confirmed by published functional studies and their clinical significance is uncertain. This variant has not been reported in the literature in individuals with RYR3-related disease. This variant is present in population databases (rs752657728, ExAC 0.002%). This sequence change replaces histidine with arginine at codon 3510 of the RYR3 protein (p.His3510Arg). The histidine residue is moderately conserved and there is a small physicochemical difference between histidine and arginine.